The following is an entry in ClinVar:

NC_000016.9:g.(?_87938372)_(87960571_?)del

Gene: CA5A (carbonic anhydrase 5A; minus strand). Cytogenetic location: 16q24.2.
Variant type: Deletion.
Identifiers: ClinVar variation 1069842 (VCV001069842.5).

ClinVar aggregate classification (germline): Pathogenic (1 of 4 stars; one submission).

Conditions:
Hyperammonemic encephalopathy due to carbonic anhydrase VA deficiency. Also called: Carbonic anhydrase VA deficiency, hyperammonemia due to; Carbonic Anhydrase VA Deficiency. Identifiers: Orphanet 401948, MedGen C4706871, MONDO:0014332, OMIM 615751.

Submission:

Labcorp Genetics (formerly Invitae), Labcorp
Classification: Pathogenic for Hyperammonemic encephalopathy due to carbonic anhydrase VA deficiency. Last evaluated: 2020-03-05. Review status: criteria provided, single submitter. Criteria: Invitae Variant Classification Sherloc (09022015). Collection method: clinical testing. Allele origin: germline.
Comment: This variant is an out-of-frame deletion of the genomic region encompassing exons 2-3 of the CA5A gene. This is expected to create a premature translational stop signal and result in an absent or disrupted protein product. For these reasons, this variant has been classified as Pathogenic. Loss-of-function variants in CA5A are known to be pathogenic (PMID: 24530203, 26913920). This variant has not been reported in the literature in individuals with CA5A-related conditions.

Literature cited by the submitters: PubMed 24530203; PubMed 26913920.